The following is an entry in ClinVar:

ClinVar aggregate classification (germline): Uncertain significance (1 of 4 stars; one submission).

Conditions:
Cardiovascular phenotype. Identifiers: MedGen CN230736.

Submission:

Ambry Genetics
Classification: Uncertain significance for Cardiovascular phenotype. Last evaluated: 2024-06-26. Review status: criteria provided, single submitter. Criteria: Ambry Variant Classification Scheme 2023. Collection method: clinical testing. Allele origin: germline.
Comment: The p.D622E variant (also known as c.1866T>G), located in coding exon 10 of the JUP gene, results from a T to G substitution at nucleotide position 1866. The aspartic acid at codon 622 is replaced by glutamic acid, an amino acid with highly similar properties. This amino acid position is conserved. In addition, this alteration is predicted to be tolerated by in silico analysis. Based on the available evidence, the clinical significance of this variant remains unclear.

NM_002230.4(JUP):c.1866T>G (p.Asp622Glu)

Gene: JUP (junction plakoglobin; minus strand). Cytogenetic location: 17q21.2.
Variant type: single nucleotide variant.
Coding change: c.1866T>G on transcript NM_002230.4 (MANE Select); coding-DNA position 1866, T replaced by G.
Protein change: p.Asp622Glu; replaces aspartic acid 622 with glutamic acid.
Molecular consequence: missense variant.
Genome position (GRCh38, 1-based): chr17:41,757,692, A>C on the plus strand (T>G on the coding strand, the complement: JUP is on the minus strand). VCF-style: chr17-41757692-A-C. GRCh37 (hg19) VCF-style: chr17-39913944-A-C.
Other names: c.1866T>G, p.Asp622Glu (NM_001352773.2, NM_001352774.2, NM_001352775.2 and 3 more transcripts); short protein forms D622E.
Identifiers: ClinVar variation 3531613 (VCV003531613.1).
Genomic context (GRCh38, chr17:41,757,692, plus strand): 5'-ACCAGTGCCCTCGTTGCGGGAGTGCAGCAACTCCATGAGTGGGGCCGAGGCCCCCTCTGC[A>C]TCAATGGCGTCGGCCGCCTCCTTGTCCTGGGCCAGCTCACACAGCACCCCGGCAGCCACG-3'
Protein context (NP_002221.1, residues 612-632): AQDKEAADAI[Asp622Glu]AEGASAPLME